The following is an entry in ClinVar:

ClinVar aggregate classification (germline): Likely benign (1 of 4 stars; one submission).

Conditions:
Cardiomyopathy (CMYO). Also called: Cardiomyopathies. Identifiers: Orphanet 167848, MedGen C0878544, MONDO:0004994, HP:0001638. Inheritance: Various modes of inheritance.

Submission:

All of Us Research Program, National Institutes of Health
Classification: Likely benign for Cardiomyopathy. Last evaluated: 2023-11-02. Review status: criteria provided, single submitter. Criteria: ACMG Guidelines, 2015. Collection method: clinical testing. Allele origin: germline. Inheritance: Autosomal dominant inheritance. Observed: 1 variant allele, 1 heterozygote.
Comment: This study involves interpretation of variants in research participants for the purpose of population health screening. Participant phenotype was not available at the time of variant classification. Additional details can be found in publication PMID: 35346344, PMCID: PMC8962531

NM_000257.4(MYH7):c.2820G>A (p.Lys940=)

Gene: MYH7 (myosin heavy chain 7; minus strand). Cytogenetic location: 14q11.2.
Variant type: single nucleotide variant.
Coding change: c.2820G>A on transcript NM_000257.4 (MANE Select); coding-DNA position 2820, G replaced by A.
Protein change: p.Lys940=; no amino-acid change (lysine 940 retained).
Molecular consequence: synonymous variant.
Genome position (GRCh38, 1-based): chr14:23,424,009, C>T on the plus strand (G>A on the coding strand, the complement: MYH7 is on the minus strand). VCF-style: chr14-23424009-C-T. GRCh37 (hg19) VCF-style: chr14-23893218-C-T.
Other names: c.2820G>A, p.Lys940= (NM_001407004.1).
Identifiers: ClinVar variation 3074325 (VCV003074325.1), dbSNP rs2502279614, ClinGen allele CA485766915.
Genomic context (GRCh38, chr14:23,424,009, plus strand): 5'-TGTCAGCTCCAGATCATCGATGTCCCTTTTGAGCTCTGAGCACTCATCTTCCAGCTTGCG[C>T]TTCTTGGCAGTGAGCTCAGCATTCATCTCCTCCTCATCCTCCAGCCTCTCGTTCATCTCC-3'
Protein context (NP_000248.2, residues 930-950): EEMNAELTAK[Lys940=]RKLEDECSEL